The following is an entry in ClinVar:

ClinVar aggregate classification (germline): Uncertain significance. Review status: criteria provided, multiple submitters, no conflicts (2 of 4 stars). 4 submissions from 4 submitters: Uncertain significance (3). 1 of the submissions does not count toward it. Last evaluated 2025-04-25.

Conditions:
CEP290-related disorder. Also called: CEP290-related condition; CEP290-related disorders. Identifiers: MedGen CN239314.
Joubert syndrome. Also called: Familial aplasia of the vermis; CEREBELLOPARENCHYMAL DISORDER IV; JOUBERT-BOLTSHAUSER SYNDROME. Identifiers: Orphanet 475, MedGen C5979921, MONDO:0018772.
Meckel-Gruber syndrome. Also called: Dysencephalia splachnocystica; DYSENCEPHALIA SPLANCHNOCYSTICA; GRUBER SYNDROME. Identifiers: Orphanet 564, MedGen C0265215, MONDO:0018921.
Nephronophthisis. Also called: Juvenile Nephronophthisis. Identifiers: Orphanet 655, MedGen C0687120, MONDO:0019005, HP:0000090.
Leber congenital amaurosis 10 (LCA10). Identifiers: Orphanet 65, MedGen C1857821, MONDO:0012723, OMIM 611755.
Meckel syndrome, type 4 (MKS4). Also called: MECKEL-GRUBER SYNDROME, TYPE 4. Identifiers: Orphanet 564, MedGen C1970161, MONDO:0012626, OMIM 611134.
Joubert syndrome 5 (JBTS5). Identifiers: Orphanet 2318, MedGen C1857780, MONDO:0012432, OMIM 610188.
Bardet-Biedl syndrome 14 (BBS14). Identifiers: Orphanet 110, MedGen C2673874, MONDO:0014442, OMIM 615991.
Senior-Loken syndrome 6 (SLSN6). Identifiers: Orphanet 3156, MedGen C1857779, MONDO:0012433, OMIM 610189.

Allele frequency attached by ClinVar (database versions not stated): 1000 Genomes Project 30x 0.00016; TOPMed 0.00001; ExAC 0.00003; gnomAD 0.00003; ESP Exome Variant Server 0.00009.
gnomAD v4.1: 13 of 1,600,576 alleles (0.00081%); highest among the groups gnomAD compares: African/African-American, 0.016%; no homozygotes.

Submissions (4):

GeneDx
Classification: Uncertain significance. Last evaluated: 2025-04-25. Review status: criteria provided, single submitter. Criteria: GeneDx Variant Classification Process June 2021. Collection method: clinical testing. Allele origin: germline. Affected: yes.
Comment: In silico analysis supports that this missense variant has a deleterious effect on protein structure/function; Has not been previously published as pathogenic or benign to our knowledge

Fulgent Genetics
Classification: Uncertain significance for Joubert syndrome 5; Senior-Loken syndrome 6; Meckel syndrome, type 4; Leber congenital amaurosis 10; Bardet-Biedl syndrome 14. Last evaluated: 2024-06-07. Review status: criteria provided, single submitter. Criteria: ACMG Guidelines, 2015. Collection method: clinical testing. Allele origin: germline.

Labcorp Genetics (formerly Invitae), Labcorp
Classification: Uncertain significance for Joubert syndrome; Meckel-Gruber syndrome; Nephronophthisis. Last evaluated: 2022-03-07. Review status: criteria provided, single submitter. Criteria: Invitae Variant Classification Sherloc (09022015). Collection method: clinical testing. Allele origin: germline.
Comment: This sequence change replaces tryptophan, which is neutral and slightly polar, with leucine, which is neutral and non-polar, at codon 1918 of the CEP290 protein (p.Trp1918Leu). This variant is present in population databases (rs371737956, gnomAD 0.02%). This variant has not been reported in the literature in individuals affected with CEP290-related conditions. ClinVar contains an entry for this variant (Variation ID: 1015660). Algorithms developed to predict the effect of missense changes on protein structure and function are either unavailable or do not agree on the potential impact of this missense change (SIFT: "Deleterious"; PolyPhen-2: "Probably Damaging"; Align-GVGD: "Class C0"). In summary, the available evidence is currently insufficient to determine the role of this variant in disease. Therefore, it has been classified as a Variant of Uncertain Significance.

PreventionGenetics, part of Exact Sciences
Classification: Uncertain significance for CEP290-related condition. Last evaluated: 2024-09-12. Review status: no assertion criteria provided. Collection method: clinical testing. Allele origin: germline. Not counted in ClinVar's aggregate classification.
Comment: The CEP290 c.5753G>T variant is predicted to result in the amino acid substitution p.Trp1918Leu. To our knowledge, this variant has not been reported in the literature. This variant is reported in 0.017% of alleles in individuals of African descent in gnomAD. At this time, the clinical significance of this variant is uncertain due to the absence of conclusive functional and genetic evidence.

NM_025114.4(CEP290):c.5753G>T (p.Trp1918Leu)

Gene: CEP290 (centrosomal protein 290; minus strand). Cytogenetic location: 12q21.32.
Variant type: single nucleotide variant.
Coding change: c.5753G>T on transcript NM_025114.4 (MANE Select); coding-DNA position 5753, G replaced by T.
Protein change: p.Trp1918Leu; replaces tryptophan 1918 with leucine.
Molecular consequence: missense variant.
Genome position (GRCh38, 1-based): chr12:88,071,883, C>A on the plus strand (G>T on the coding strand, the complement: CEP290 is on the minus strand). VCF-style: chr12-88071883-C-A. GRCh37 (hg19) VCF-style: chr12-88465660-C-A.
Other names: c.5753G>T (NM_025114.3); short protein forms W1918L.
Identifiers: ClinVar variation 1015660 (VCV001015660.10), dbSNP rs371737956, ClinGen allele CA6711649.